The following is an entry in ClinVar:

NM_000078.3(CETP):c.1214+3A>G

Gene: CETP (cholesteryl ester transfer protein; plus strand). Cytogenetic location: 16q13.
Variant type: single nucleotide variant.
Coding change: c.1214+3A>G on transcript NM_000078.3 (MANE Select); 3 bases into the intron after coding-DNA position 1214, A replaced by G.
Molecular consequence: intron variant.
Genome position (GRCh38, 1-based): chr16:56,981,228, A>G. VCF-style: chr16-56981228-A-G. GRCh37 (hg19) VCF-style: chr16-57015140-A-G.
Other names: c.1034+3A>G (NM_001286085.2).
Identifiers: ClinVar variation 2068239 (VCV002068239.4), dbSNP rs202237180, ClinGen allele CA8071268.
Genomic context (GRCh38, chr16:56,981,228, plus strand): 5'-CTACCGTCCAGGCCTCCTATTCTAAGAAAAAGCTCTTCTTAAGCCTCTTGGATTTCCAGT[A>G]TGTGCTGCAGAGAAGAGAGGGGGCGGTCAACTCCGCAAACCTCTCCCTGGCCCCTTGGAG-3'

ClinVar aggregate classification (germline): Uncertain significance (1 of 4 stars; one submission).

Allele frequency attached by ClinVar (database versions not stated): ExAC 0.00015; gnomAD 0.00015; TOPMed 0.00021; ESP Exome Variant Server 0.00023; gnomAD exomes 0.00039.
gnomAD v4.1: 617 of 1,609,120 alleles (0.038%); highest among the groups gnomAD compares: Non-Finnish European, 0.048%; 1 homozygote.

Submission:

Labcorp Genetics (formerly Invitae), Labcorp
Classification: Uncertain significance. Last evaluated: 2025-08-03. Review status: criteria provided, single submitter. Criteria: Invitae Variant Classification Sherloc (09022015). Collection method: clinical testing. Allele origin: germline.
Comment: This sequence change falls in intron 12 of the CETP gene. It does not directly change the encoded amino acid sequence of the CETP protein. It affects a nucleotide within the consensus splice site. This variant is present in population databases (rs202237180, gnomAD 0.02%). This variant has not been reported in the literature in individuals affected with CETP-related conditions. ClinVar contains an entry for this variant (Variation ID: 2068239). Variants that disrupt the consensus splice site are a relatively common cause of aberrant splicing (PMID: 17576681, 9536098). Algorithms developed to predict the effect of sequence changes on RNA splicing suggest that this variant may disrupt the consensus splice site. In summary, the available evidence is currently insufficient to determine the role of this variant in disease. Therefore, it has been classified as a Variant of Uncertain Significance.

Literature cited by the submitters: PubMed 17576681; PubMed 9536098.